The following is an entry in ClinVar:

NM_030665.4(RAI1):c.1301G>A (p.Ser434Asn)

Gene: RAI1 (retinoic acid induced 1; plus strand). Cytogenetic location: 17p11.2.
Variant type: single nucleotide variant.
Coding change: c.1301G>A on transcript NM_030665.4 (MANE Select); coding-DNA position 1301, G replaced by A.
Protein change: p.Ser434Asn; replaces serine 434 with asparagine.
Molecular consequence: missense variant.
Genome position (GRCh38, 1-based): chr17:17,794,249, G>A. VCF-style: chr17-17794249-G-A. GRCh37 (hg19) VCF-style: chr17-17697563-G-A.
Other names: c.1301G>A (NM_030665.3); short protein forms S434N.
Identifiers: ClinVar variation 1414976 (VCV001414976.9), dbSNP rs766592531, ClinGen allele CA8418306.

ClinVar aggregate classification (germline): Uncertain significance. Review status: criteria provided, single submitter (1 of 4 stars). 2 submissions from 2 submitters: Uncertain significance (1). 1 of the submissions does not count toward it. Last evaluated 2025-11-08.

Conditions:
RAI1-related disorder. Also called: RAI1-related condition.

Allele frequency attached by ClinVar (database versions not stated): gnomAD 0.00001; gnomAD exomes 0.00001; TOPMed 0.00001; ExAC 0.00001.
gnomAD v4.1: 3 of 1,613,218 alleles (0.00019%); highest among the groups gnomAD compares: African/African-American, 0.004%; no homozygotes.

Submissions (2):

Labcorp Genetics (formerly Invitae), Labcorp
Classification: Uncertain significance. Last evaluated: 2025-11-08. Review status: criteria provided, single submitter. Criteria: Invitae Variant Classification Sherloc (09022015). Collection method: clinical testing. Allele origin: germline.
Comment: This sequence change replaces serine, which is neutral and polar, with asparagine, which is neutral and polar, at codon 434 of the RAI1 protein (p.Ser434Asn). This variant is present in population databases (rs766592531, gnomAD 0.01%). This variant has not been reported in the literature in individuals affected with RAI1-related conditions. ClinVar contains an entry for this variant (Variation ID: 1414976). Invitae Evidence Modeling of protein sequence and biophysical properties (such as structural, functional, and spatial information, amino acid conservation, physicochemical variation, residue mobility, and thermodynamic stability) indicates that this missense variant is expected to disrupt RAI1 protein function with a positive predictive value of 80%. In summary, the available evidence is currently insufficient to determine the role of this variant in disease. Therefore, it has been classified as a Variant of Uncertain Significance.

PreventionGenetics, part of Exact Sciences
Classification: Uncertain significance for RAI1-related condition. Last evaluated: 2024-05-14. Review status: no assertion criteria provided. Collection method: clinical testing. Allele origin: germline. Not counted in ClinVar's aggregate classification.
Comment: The RAI1 c.1301G>A variant is predicted to result in the amino acid substitution p.Ser434Asn. To our knowledge, this variant has not been reported in the literature. This variant is reported in 0.012% of alleles in individuals of African descent in gnomAD, which may be too common to be a primary cause of disease. Although we suspect that this variant may be benign, at this time, the clinical significance of this variant is uncertain due to the absence of conclusive functional and genetic evidence.